The following is an entry in ClinVar:

ClinVar aggregate classification (germline): Uncertain significance (1 of 4 stars; one submission).

Conditions:
Cardiovascular phenotype. Identifiers: MedGen CN230736.

Submission:

Ambry Genetics
Classification: Uncertain significance for Cardiovascular phenotype. Last evaluated: 2026-09-11. Review status: criteria provided, single submitter. Criteria: Ambry Variant Classification Scheme 2023. Collection method: clinical testing. Allele origin: germline.
Comment: The p.V1794A variant (also known as c.5381T>C), located in coding exon 26 of the APOB gene, results from a T to C substitution at nucleotide position 5381. The valine at codon 1794 is replaced by alanine, an amino acid with similar properties. This amino acid position is conserved. In addition, this alteration is predicted to be tolerated by in silico analysis. Based on the available evidence, the clinical significance of this variant remains unclear.

NM_000384.3(APOB):c.5381T>C (p.Val1794Ala)

Gene: APOB (apolipoprotein B; minus strand). Cytogenetic location: 2p24.1.
Variant type: single nucleotide variant.
Coding change: c.5381T>C on transcript NM_000384.3 (MANE Select); coding-DNA position 5381, T replaced by C.
Protein change: p.Val1794Ala; replaces valine 1794 with alanine.
Molecular consequence: missense variant.
Genome position (GRCh38, 1-based): chr2:21,011,487, A>G on the plus strand (T>C on the coding strand, the complement: APOB is on the minus strand). VCF-style: chr2-21011487-A-G. GRCh37 (hg19) VCF-style: chr2-21234359-A-G.
Other names: short protein forms V1794A.
Identifiers: ClinVar variation 3416856 (VCV003416856.2).